The following is an entry in ClinVar:

NM_178857.6(RP1L1):c.5439C>T (p.Asn1813=)

Gene: RP1L1 (RP1 like 1). Cytogenetic location: 8p23.1.
Variant type: single nucleotide variant.
Coding change: c.5439C>T on transcript NM_178857.6 (MANE Select); coding-DNA position 5439, C replaced by T.
Protein change: p.Asn1813=; no amino-acid change (asparagine 1813 retained).
Molecular consequence: synonymous variant.
Genome position (GRCh38, 1-based): chr8:10,608,659, G>A on the plus strand (C>T on the coding strand, the complement: RP1L1 is on the minus strand). VCF-style: chr8-10608659-G-A. GRCh37 (hg19) VCF-style: chr8-10466169-G-A.
Other names: c.5439C>T (NM_178857.5).
Identifiers: ClinVar variation 4898971 (VCV004898971.2).

ClinVar aggregate classification (germline): Likely benign. Review status: criteria provided, multiple submitters, no conflicts (2 of 4 stars). 2 submissions from 2 submitters: Likely benign (2). Last evaluated 2026-01-30.

Conditions:
RP1L1-related disorder. Also called: RP1L1-related condition.

gnomAD v4.1: 16 of 1,614,156 alleles (0.00099%); highest among the groups gnomAD compares: South Asian, 0.013%; no homozygotes.

Submissions (2):

PreventionGenetics, part of Exact Sciences
Classification: Likely benign for RP1L1-related condition. Last evaluated: 2026-01-30. Review status: criteria provided, single submitter. Criteria: ACMG Guidelines, 2015. Collection method: clinical testing. Allele origin: germline.
Comment: This variant is classified as likely benign based on ACMG/AMP sequence variant interpretation guidelines (Richards et al. 2015 PMID: 25741868, with internal and published modifications).

Blueprint Genetics
Classification: Likely benign. Last evaluated: 2024-09-17. Review status: criteria provided, single submitter. Criteria: ACMG Guidelines, 2015. Collection method: clinical testing. Allele origin: germline.